The following is an entry in ClinVar:

NM_000257.4(MYH7):c.4524G>T (p.Glu1508Asp)

Genes: MHRT (myosin heavy chain associated RNA transcript; plus strand), MYH7 (myosin heavy chain 7; minus strand). Cytogenetic location: 14q11.2.
Variant type: single nucleotide variant.
Coding change: c.4524G>T on transcript NM_000257.4 (MANE Select); coding-DNA position 4524, G replaced by T.
Protein change: p.Glu1508Asp; replaces glutamic acid 1508 with aspartic acid.
Molecular consequence: missense variant. On other transcripts: non-coding transcript variant (1).
Genome position (GRCh38, 1-based): chr14:23,416,988, C>A on the plus strand (G>T on the coding strand, the complement: MYH7 is on the minus strand). VCF-style: chr14-23416988-C-A. GRCh37 (hg19) VCF-style: chr14-23886197-C-A.
Other names: c.4524G>T, p.Glu1508Asp (NM_001407004.1); short protein forms E1508D.
Identifiers: ClinVar variation 3387293 (VCV003387293.1).

ClinVar aggregate classification (germline): Uncertain significance (1 of 4 stars; one submission).

Conditions:
Cardiomyopathy (CMYO). Also called: Cardiomyopathies. Identifiers: Orphanet 167848, MedGen C0878544, MONDO:0004994, HP:0001638. Inheritance: Various modes of inheritance.

Submission:

All of Us Research Program, National Institutes of Health
Classification: Uncertain significance for Cardiomyopathy. Last evaluated: 2024-04-16. Review status: criteria provided, single submitter. Criteria: ACMG Guidelines, 2015. Collection method: clinical testing. Allele origin: germline. Inheritance: Autosomal dominant inheritance. Observed: 1 variant allele, 1 heterozygote.
Comment: This missense variant replaces glutamic acid with aspartic acid at codon 1508 of the MYH7 protein. Computational prediction is inconclusive regarding the impact of this variant on protein structure and function (internally defined REVEL score threshold 0.5 < inconclusive < 0.7, PMID: 27666373). To our knowledge, functional studies have not been reported for this variant. This variant has not been reported in individuals affected with MYH7-related disorders in the literature. This variant has not been identified in the general population by the Genome Aggregation Database (gnomAD). The available evidence is insufficient to determine the role of this variant in disease conclusively. Therefore, this variant is classified as a Variant of Uncertain Significance.

This study involves interpretation of variants in research participants for the purpose of population health screening. Participant phenotype was not available at the time of variant classification. Additional details can be found in publication PMID: 35346344, PMCID: PMC8962531